The following is an entry in ClinVar:

ClinVar aggregate classification (germline): Uncertain significance (1 of 4 stars; one submission).

gnomAD v4.1: 1 of 1,418,828 alleles (0.00007%); no homozygotes.

Submission:

GeneDx
Classification: Uncertain significance. Last evaluated: 2023-08-14. Review status: criteria provided, single submitter. Criteria: GeneDx Variant Classification Process June 2021. Collection method: clinical testing. Allele origin: germline. Affected: yes.
Comment: Not observed at significant frequency in large population cohorts (gnomAD); In silico analysis supports that this missense variant does not alter protein structure/function; Has not been previously published as pathogenic or benign to our knowledge.

NM_021005.4(NR2F2):c.110C>T (p.Pro37Leu)

Gene: NR2F2 (nuclear receptor subfamily 2 group F member 2; plus strand). Cytogenetic location: 15q26.2.
Variant type: single nucleotide variant.
Coding change: c.110C>T on transcript NM_021005.4 (MANE Select); coding-DNA position 110, C replaced by T.
Protein change: p.Pro37Leu; replaces proline 37 with leucine.
Molecular consequence: missense variant. On other transcripts: intron variant (1).
Genome position (GRCh38, 1-based): chr15:96,332,215, C>T. VCF-style: chr15-96332215-C-T. GRCh37 (hg19) VCF-style: chr15-96875444-C-T.
Other names: c.44-1861C>T (NM_001145155.2); short protein forms P37L.
Identifiers: ClinVar variation 3252829 (VCV003252829.1), dbSNP rs1236680025.